The following is an entry in ClinVar:

ClinVar aggregate classification (germline): Pathogenic. Review status: criteria provided, multiple submitters, no conflicts (2 of 4 stars). 2 submissions from 2 submitters: Pathogenic (2). Last evaluated 2026-01-15.

Conditions:
Neurofibromatosis, type 1 (NF1). Also called: VON RECKLINGHAUSEN DISEASE; NEUROFIBROMATOSIS, TYPE I, SOMATIC; Peripheral type neurofibromatosis; Neurofibromatosis, type I. Identifiers: Orphanet 636, MedGen C0027831, MONDO:0018975, OMIM 162200. Disease mechanism: loss of function.
Cardiovascular phenotype. Identifiers: MedGen CN230736.
Hereditary cancer-predisposing syndrome. Also called: Hereditary neoplastic syndrome; Hereditary Cancer Syndrome; Neoplastic Syndromes, Hereditary; Tumor predisposition. Identifiers: Orphanet 140162, MedGen C0027672, MeSH D009386, MONDO:0015356.

Submissions (2):

Myriad Genetics, Inc.
Classification: Pathogenic for Neurofibromatosis, type 1. Last evaluated: 2026-01-15. Review status: criteria provided, single submitter. Criteria: Myriad Autosomal Dominant, Autosomal Recessive and X-Linked Classification Criteria (2023). Collection method: clinical testing. Allele origin: unknown.
Comment: This variant is considered pathogenic. This variant creates a termination codon and is predicted to result in premature protein truncation.

Ambry Genetics
Classification: Pathogenic for Cardiovascular phenotype; Hereditary cancer-predisposing syndrome. Last evaluated: 2025-09-02. Review status: criteria provided, single submitter. Criteria: Ambry Variant Classification Scheme 2023. Collection method: clinical testing. Allele origin: germline.
Comment: The c.3187_3188insA pathogenic mutation, located in coding exon 24 of the NF1 gene, results from an insertion of one nucleotide at position 3187, causing a translational frameshift with a predicted alternate stop codon (p.C1063*). This variant is considered to be rare based on population cohorts in the Genome Aggregation Database (gnomAD). This alteration is expected to result in loss of function by premature protein truncation or nonsense-mediated mRNA decay. As such, this alteration is interpreted as a disease-causing mutation.

NM_001042492.3(NF1):c.3187_3188insA (p.Cys1063Ter)

Gene: NF1 (neurofibromin 1; plus strand). Cytogenetic location: 17q11.2.
Variant type: Insertion.
Coding change: c.3187_3188insA on transcript NM_001042492.3 (MANE Select); coding-DNA positions 3187 to 3188, A inserted.
Protein change: p.Cys1063Ter; replaces cysteine 1063 with a stop codon.
Molecular consequence: nonsense.
Genome position: GRCh38 VCF-style: chr17-31230915-T-TA. GRCh37 (hg19) VCF-style: chr17-29557933-T-TA.
Other names: c.3187_3188insA, p.Cys1063Ter (NM_000267.4); short protein forms C1063*.
Identifiers: ClinVar variation 4119155 (VCV004119155.2).
Genomic context (GRCh38, chr17:31,230,915, plus strand): 5'-GAATACCTGACAGACTGGGTTATGGGAACATCAAACCAAGCAGCAGATGATGATGTAAAA[T>TA]GTCTTACAAGGTAAAAAAAGAATGACCTTCAAGTATTAGTGGGTTTTACTGTGAGAGTTA-3'